The following is an entry in ClinVar:

NM_004055.5(CAPN5):c.652A>C (p.Met218Leu)

Gene: CAPN5 (calpain 5; plus strand). Cytogenetic location: 11q13.5.
Variant type: single nucleotide variant.
Coding change: c.652A>C on transcript NM_004055.5 (MANE Select); coding-DNA position 652, A replaced by C.
Protein change: p.Met218Leu; replaces methionine 218 with leucine.
Molecular consequence: missense variant.
Genome position (GRCh38, 1-based): chr11:77,114,387, A>C. VCF-style: chr11-77114387-A-C. GRCh37 (hg19) VCF-style: chr11-76825433-A-C.
Other names: short protein forms M218L.
Identifiers: ClinVar variation 961306 (VCV000961306.9), dbSNP rs1950445545, ClinGen allele CA381938245.

ClinVar aggregate classification (germline): Uncertain significance (1 of 4 stars; one submission).

Submission:

Labcorp Genetics (formerly Invitae), Labcorp
Classification: Uncertain significance. Last evaluated: 2022-02-04. Review status: criteria provided, single submitter. Criteria: Invitae Variant Classification Sherloc (09022015). Collection method: clinical testing. Allele origin: germline.
Comment: This sequence change replaces methionine, which is neutral and non-polar, with leucine, which is neutral and non-polar, at codon 218 of the CAPN5 protein (p.Met218Leu). This variant is not present in population databases (gnomAD no frequency). This variant has not been reported in the literature in individuals affected with CAPN5-related conditions. ClinVar contains an entry for this variant (Variation ID: 961306). Algorithms developed to predict the effect of missense changes on protein structure and function (SIFT, PolyPhen-2, Align-GVGD) all suggest that this variant is likely to be tolerated. In summary, the available evidence is currently insufficient to determine the role of this variant in disease. Therefore, it has been classified as a Variant of Uncertain Significance.